The following is an entry in ClinVar:

NM_006005.3(WFS1):c.1234_1237del (p.Val412fs)

Gene: WFS1 (wolframin ER transmembrane glycoprotein; plus strand). Cytogenetic location: 4p16.1.
Variant type: Deletion.
Coding change: c.1234_1237del on transcript NM_006005.3 (MANE Select); coding-DNA positions 1234 to 1237, 4 bases deleted (GTCT; older notation c.1234_1237delGTCT).
Protein change: p.Val412fs; shifts the reading frame from valine 412.
Molecular consequence: frameshift variant.
Genome position (GRCh38, 1-based): chr4:6,301,029-6,301,032, GTCT deleted; deleting any 4 consecutive bases within chr4:6,301,026-6,301,032 gives the same sequence; the c. name uses the placement nearest the transcript's 3' end. VCF-style (leftmost placement, unchanged base first): chr4-6301025-CTCTG-C. GRCh37 (hg19) VCF-style: chr4-6302752-CTCTG-C.
Other names: c.1234_1237del, p.Val412fs (NM_001145853.1); short protein forms V412fs.
Identifiers: ClinVar variation 1458000 (VCV001458000.10), dbSNP rs763677869, ClinGen allele CA2839274.
Genomic context (GRCh38, chr4:6,301,025, plus strand): 5'-GGAGCAGGCCGAGGTCAACTTCGGCTGGAACCACCTGGAGCCCTATGCCCATTTCCTGCT[CTCTG>C]TCTTCTTCGTCATCTTCTCCTTCCCCATCGCCAGCAAGGACTGCATCCCCTGCTCGGAGC-3'

ClinVar aggregate classification (germline): Pathogenic. Review status: criteria provided, multiple submitters, no conflicts (2 of 4 stars). 4 submissions from 4 submitters: Pathogenic (4). Last evaluated 2025-03-04.

Conditions:
Wolfram syndrome 1 (WFS1). Identifiers: Orphanet 3463, MedGen C4551693, MONDO:0009101, OMIM 222300.
Cataract 41 (CTRCT41). Also called: CATARACT 41, CONGENITAL NUCLEAR TYPE. Identifiers: Orphanet 91492, Orphanet 98991, Orphanet 98992, Orphanet 98995, MedGen C3805412, MONDO:0007287, OMIM 116400.
Wolfram-like syndrome. Also called: HEARING LOSS, PROGRESSIVE, WITH OPTIC ATROPHY AND/OR IMPAIRED GLUCOSE REGULATION. Identifiers: Orphanet 411590, MedGen C3280358, MONDO:0013673, OMIM 614296.
Autosomal dominant nonsyndromic hearing loss 6 (LFSNHL). Also called: Autosomal dominant nonsyndromic deafness 6; DEAFNESS, AUTOSOMAL DOMINANT 6; DEAFNESS, AUTOSOMAL DOMINANT 14; DEAFNESS, AUTOSOMAL DOMINANT 38. Identifiers: Orphanet 90635, MedGen C1833021, MONDO:0010963, OMIM 600965.
Type 2 diabetes mellitus. Also called: Type II diabetes mellitus. Identifiers: MedGen C0011860, MeSH D003924, MONDO:0005148, OMIM 125853, HP:0005978.
WFS1-related disorder. Identifiers: MedGen CN379391, MONDO:0700293.

Submissions (4):

Institute of Human Genetics, University of Leipzig Medical Center
Classification: Pathogenic for Wolfram syndrome 1. Last evaluated: 2025-03-04. Review status: criteria provided, single submitter. Criteria: ACMG Guidelines, 2015. Collection method: clinical testing. Allele origin: unknown. Inheritance: Autosomal recessive inheritance. Affected: yes.
Comment: Criteria applied: PVS1,PM2,PM3; Identified as compund heterozygous with NM_006005.3:c.1943G>A

Fulgent Genetics
Classification: Pathogenic for Cataract 41; Type 2 diabetes mellitus; Wolfram syndrome 1; Autosomal dominant nonsyndromic hearing loss 6; Wolfram-like syndrome. Last evaluated: 2024-06-05. Review status: criteria provided, single submitter. Criteria: ACMG Guidelines, 2015. Collection method: clinical testing. Allele origin: germline.

Labcorp Genetics (formerly Invitae), Labcorp
Classification: Pathogenic. Last evaluated: 2021-12-30. Review status: criteria provided, single submitter. Criteria: Invitae Variant Classification Sherloc (09022015). Collection method: clinical testing. Allele origin: germline.
Comment: For these reasons, this variant has been classified as Pathogenic. This premature translational stop signal has been observed in individual(s) with Wolfram syndrome (PMID: 19042979). In at least one individual the data is consistent with being in trans (on the opposite chromosome) from a pathogenic variant. It has also been observed to segregate with disease in related individuals. This variant is present in population databases (rs763677869, gnomAD 0.0009%). This sequence change creates a premature translational stop signal (p.Val412Serfs*29) in the WFS1 gene. While this is not anticipated to result in nonsense mediated decay, it is expected to disrupt the last 479 amino acid(s) of the WFS1 protein.

Blueprint Genetics
Classification: Pathogenic for WFS1-related disorders. Last evaluated: 2020-10-28. Review status: criteria provided, single submitter. Criteria: ACMG Guidelines, 2015. Collection method: clinical testing. Allele origin: germline. Affected: yes. Observed: 1 variant allele.

Literature cited by the submitters: PubMed 19042979 (cited by Labcorp Genetics (formerly Invitae), Labcorp).